The following is an entry in ClinVar:

ClinVar aggregate classification (germline): Uncertain significance (1 of 4 stars; one submission).

Conditions:
Inborn genetic diseases. Identifiers: MedGen C0950123, MeSH D030342.

Submission:

Ambry Genetics
Classification: Uncertain significance for Inborn genetic diseases. Last evaluated: 2025-10-26. Review status: criteria provided, single submitter. Criteria: Ambry Variant Classification Scheme 2023. Collection method: clinical testing. Allele origin: germline.
Comment: The p.L1126S variant (also known as c.3377T>C), located in coding exon 14 of the FANCM gene, results from a T to C substitution at nucleotide position 3377. The leucine at codon 1126 is replaced by serine, an amino acid with dissimilar properties. This amino acid position is conserved. In addition, this alteration is predicted to be tolerated by in silico analysis. Based on the available evidence, the clinical significance of this variant remains unclear.

NM_020937.4(FANCM):c.3377T>C (p.Leu1126Ser)

Gene: FANCM (FA complementation group M; plus strand). Cytogenetic location: 14q21.2.
Variant type: single nucleotide variant.
Coding change: c.3377T>C on transcript NM_020937.4 (MANE Select); coding-DNA position 3377, T replaced by C.
Protein change: p.Leu1126Ser; replaces leucine 1126 with serine.
Molecular consequence: missense variant.
Genome position (GRCh38, 1-based): chr14:45,176,131, T>C. VCF-style: chr14-45176131-T-C. GRCh37 (hg19) VCF-style: chr14-45645334-T-C.
Other names: c.3299T>C, p.Leu1100Ser (NM_001308133.2); short protein forms L1100S, L1126S.
Identifiers: ClinVar variation 4619523 (VCV004619523.1).